The following is an entry in ClinVar:

ClinVar aggregate classification (germline): Uncertain significance (1 of 4 stars; one submission).

Conditions:
Dystonic disorder. Also called: Dystonia. Identifiers: MedGen C0013421, MONDO:0003441, HP:0001332.

Submission:

Labcorp Genetics (formerly Invitae), Labcorp
Classification: Uncertain significance for Dystonic disorder. Last evaluated: 2025-03-31. Review status: criteria provided, single submitter. Criteria: Invitae Variant Classification Sherloc (09022015). Collection method: clinical testing. Allele origin: germline.
Comment: This sequence change creates a premature translational stop signal (p.Arg312Serfs*5) in the TOR1A gene. While this is not anticipated to result in nonsense mediated decay, it is expected to disrupt the last 21 amino acid(s) of the TOR1A protein. This variant is not present in population databases (gnomAD no frequency). This variant has not been reported in the literature in individuals affected with TOR1A-related conditions. Experimental studies and prediction algorithms are not available or were not evaluated, and the functional significance of this variant is currently unknown. In summary, the available evidence is currently insufficient to determine the role of this variant in disease. Therefore, it has been classified as a Variant of Uncertain Significance.

NM_000113.3(TOR1A):c.936_937del (p.Arg312fs)

Gene: TOR1A (torsin family 1 member A; minus strand). Cytogenetic location: 9q34.11.
Variant type: Microsatellite.
Coding change: c.936_937del on transcript NM_000113.3 (MANE Select); coding-DNA positions 936 to 937, 2 bases deleted (AG; older notation c.936_937delAG).
Protein change: p.Arg312fs; shifts the reading frame from arginine 312.
Molecular consequence: frameshift variant.
Genome position (GRCh38, 1-based): chr9:129,814,034-129,814,035, CT deleted on the plus strand (AG on the coding strand, the reverse complement: TOR1A is on the minus strand); deleting any 2 consecutive bases within chr9:129,814,034-129,814,040 gives the same sequence; the c. name uses the placement nearest the transcript's 3' end. VCF-style (leftmost placement, unchanged base first): chr9-129814033-ACT-A. GRCh37 (hg19) VCF-style: chr9-132576312-ACT-A.
Other names: short protein forms R312fs.
Identifiers: ClinVar variation 2071155 (VCV002071155.4), dbSNP rs80358234, ClinGen allele CA1880971531.